The following is an entry in ClinVar:

ClinVar aggregate classification (germline): Pathogenic (1 of 4 stars; one submission).

Conditions:
Nemaline myopathy 2 (NEM2). Also called: Nemaline myopathy 2, autosomal recessive. Identifiers: MedGen C1850569, MONDO:0009725, OMIM 256030.

Submission:

Labcorp Genetics (formerly Invitae), Labcorp
Classification: Pathogenic for Nemaline myopathy 2. Last evaluated: 2020-09-15. Review status: criteria provided, single submitter. Criteria: Invitae Variant Classification Sherloc (09022015). Collection method: clinical testing. Allele origin: germline.
Comment: This variant has not been reported in the literature in individuals with NEB-related conditions. This variant is not present in population databases (ExAC no frequency). This sequence change creates a premature translational stop signal (p.Gln6776Lysfs*2) in the NEB gene. It is expected to result in an absent or disrupted protein product. Loss-of-function variants in NEB are known to be pathogenic (PMID: 25205138). For these reasons, this variant has been classified as Pathogenic.

Literature cited by the submitters: PubMed 25205138.

NM_001164508.2(NEB):c.20326del (p.Gln6776fs)

Gene: NEB (nebulin; minus strand). Cytogenetic location: 2q23.3.
Variant type: Deletion.
Coding change: c.20326del on transcript NM_001164508.2 (MANE Select); coding-DNA position 20326, one base deleted (C; older notation c.20326delC).
Protein change: p.Gln6776fs; shifts the reading frame from glutamine 6776.
Molecular consequence: frameshift variant.
Genome position (GRCh38, 1-based): chr2:151,547,470, G deleted on the plus strand (C on the coding strand, the reverse complement: NEB is on the minus strand); the first of 4 consecutive G bases (chr2:151,547,470-151,547,473); deleting any one gives the same sequence. VCF-style (leftmost placement, unchanged base first): chr2-151547469-TG-T. GRCh37 (hg19) VCF-style: chr2-152403983-TG-T.
Other names: c.20326del, p.Gln6776fs (NM_001164507.2, NM_001271208.2); c.15223del, p.Gln5075fs (NM_004543.5); short protein forms Q5075fs, Q6776fs.
Identifiers: ClinVar variation 1075191 (VCV001075191.7), dbSNP rs2153615926, ClinGen allele CA2499215002.